The following is an entry in ClinVar:

ClinVar aggregate classification (germline): Uncertain significance. Review status: criteria provided, multiple submitters, no conflicts (2 of 4 stars). 3 submissions from 3 submitters: Uncertain significance (3). Last evaluated 2025-06-11.

Allele frequency attached by ClinVar (database versions not stated): gnomAD 0.00001; TOPMed 0.00001.
gnomAD v4.1: 27 of 1,410,930 alleles (0.0019%); highest among the groups gnomAD compares: Non-Finnish European, 0.0025%; no homozygotes.

Submissions (3):

GeneDx
Classification: Uncertain significance. Last evaluated: 2025-06-11. Review status: criteria provided, single submitter. Criteria: GeneDx Variant Classification Process June 2021. Collection method: clinical testing. Allele origin: germline. Affected: yes.
Comment: In silico analysis suggests that this missense variant does not alter protein structure/function; Has not been previously published as pathogenic or benign to our knowledge

Labcorp Genetics (formerly Invitae), Labcorp
Classification: Uncertain significance. Last evaluated: 2022-10-04. Review status: criteria provided, single submitter. Criteria: Invitae Variant Classification Sherloc (09022015). Collection method: clinical testing. Allele origin: germline.
Comment: This variant has not been reported in the literature in individuals affected with ABHD12-related conditions. This sequence change replaces glutamic acid, which is acidic and polar, with glutamine, which is neutral and polar, at codon 6 of the ABHD12 protein (p.Glu6Gln). This variant is present in population databases (no rsID available, gnomAD 0.005%). ClinVar contains an entry for this variant (Variation ID: 1432598). Algorithms developed to predict the effect of missense changes on protein structure and function are either unavailable or do not agree on the potential impact of this missense change (SIFT: "Deleterious"; PolyPhen-2: "Possibly Damaging"; Align-GVGD: "Class C0"). In summary, the available evidence is currently insufficient to determine the role of this variant in disease. Therefore, it has been classified as a Variant of Uncertain Significance.

Blueprint Genetics
Classification: Uncertain significance. Last evaluated: 2019-11-27. Review status: criteria provided, single submitter. Criteria: ACMG Guidelines, 2015. Collection method: clinical testing. Allele origin: germline.

NM_001042472.3(ABHD12):c.16G>C (p.Glu6Gln)

Genes: ABHD12 (abhydrolase domain containing 12, lysophospholipase; minus strand), LOC130065586 (ATAC-STARR-seq lymphoblastoid silent region 12752; plus strand). Cytogenetic location: 20p11.21.
Variant type: single nucleotide variant.
Coding change: c.16G>C on transcript NM_001042472.3 (MANE Select); coding-DNA position 16, G replaced by C.
Protein change: p.Glu6Gln; replaces glutamic acid 6 with glutamine.
Molecular consequence: missense variant.
Genome position (GRCh38, 1-based): chr20:25,390,688, C>G on the plus strand (G>C on the coding strand, the complement: ABHD12 is on the minus strand). VCF-style: chr20-25390688-C-G. GRCh37 (hg19) VCF-style: chr20-25371324-C-G.
Other names: c.16G>C, p.Glu6Gln (NM_015600.5); c.16G>C (NM_001042472.2); short protein forms E6Q.
Identifiers: ClinVar variation 1432598 (VCV001432598.11), dbSNP rs1489197405, ClinGen allele CA408445363.